The following is an entry in ClinVar:

ClinVar aggregate classification (germline): Uncertain significance (1 of 4 stars; one submission).

Conditions:
Inborn genetic diseases. Identifiers: MedGen C0950123, MeSH D030342.

gnomAD v4.1: 2 of 1,612,922 alleles (0.00012%); highest among the groups gnomAD compares: Non-Finnish European, 0.00017%; no homozygotes.

Submission:

Ambry Genetics
Classification: Uncertain significance for Inborn genetic diseases. Last evaluated: 2025-10-01. Review status: criteria provided, single submitter. Criteria: Ambry Variant Classification Scheme 2023. Collection method: clinical testing. Allele origin: germline.
Comment: The p.L1277R variant (also known as c.3830T>G), located in coding exon 1 of the SAMD9L gene, results from a T to G substitution at nucleotide position 3830. The leucine at codon 1277 is replaced by arginine, an amino acid with dissimilar properties. This amino acid position is conserved. In addition, this alteration is predicted to be tolerated by in silico analysis. Based on the available evidence, the clinical significance of this variant remains unclear.

NM_152703.5(SAMD9L):c.3830T>G (p.Leu1277Arg)

Gene: SAMD9L (sterile alpha motif domain containing 9 like; minus strand). Cytogenetic location: 7q21.2.
Variant type: single nucleotide variant.
Coding change: c.3830T>G on transcript NM_152703.5 (MANE Select); coding-DNA position 3830, T replaced by G.
Protein change: p.Leu1277Arg; replaces leucine 1277 with arginine.
Molecular consequence: missense variant.
Genome position (GRCh38, 1-based): chr7:93,132,142, A>C on the plus strand (T>G on the coding strand, the complement: SAMD9L is on the minus strand). VCF-style: chr7-93132142-A-C. GRCh37 (hg19) VCF-style: chr7-92761455-A-C.
Other names: c.3830T>G, p.Leu1277Arg (NM_001303496.3, NM_001303497.3, NM_001303498.3 and 5 more transcripts); short protein forms L1277R.
Identifiers: ClinVar variation 4630030 (VCV004630030.1).